The following is an entry in ClinVar:

ClinVar aggregate classification (germline): Uncertain significance (1 of 4 stars; one submission).

Submission:

Labcorp Genetics (formerly Invitae), Labcorp
Classification: Uncertain significance. Last evaluated: 2021-11-04. Review status: criteria provided, single submitter. Criteria: Invitae Variant Classification Sherloc (09022015). Collection method: clinical testing. Allele origin: germline.
Comment: Algorithms developed to predict the effect of missense changes on protein structure and function (SIFT, PolyPhen-2, Align-GVGD) all suggest that this variant is likely to be tolerated. In summary, the available evidence is currently insufficient to determine the role of this variant in disease. Therefore, it has been classified as a Variant of Uncertain Significance. This variant has not been reported in the literature in individuals affected with ALPK3-related conditions. This sequence change replaces glycine, which is neutral and non-polar, with serine, which is neutral and polar, at codon 113 of the ALPK3 protein (p.Gly113Ser). This variant is not present in population databases (gnomAD no frequency).

NC_000015.10:g.84817183G>A

Gene: ALPK3 (alpha kinase 3; plus strand). Cytogenetic location: 15q25.3.
Variant type: single nucleotide variant.
Genome position: GRCh38 VCF-style: chr15-84817183-G-A. GRCh37 (hg19) VCF-style: chr15-85360414-G-A.
Identifiers: ClinVar variation 1501426 (VCV001501426.6), dbSNP rs2141541816, ClinGen allele CA393368704.